The following is an entry in ClinVar:

ClinVar aggregate classification (germline): Uncertain significance (1 of 4 stars; one submission).

Submission:

Labcorp Genetics (formerly Invitae), Labcorp
Classification: Uncertain significance. Last evaluated: 2023-07-21. Review status: criteria provided, single submitter. Criteria: Invitae Variant Classification Sherloc (09022015). Collection method: clinical testing. Allele origin: germline.
Comment: This sequence change creates a premature translational stop signal (p.Asn1659Ilefs*2) in the ANKRD26 gene. While this is not anticipated to result in nonsense mediated decay, it is expected to disrupt the last 52 amino acid(s) of the ANKRD26 protein. This variant is not present in population databases (gnomAD no frequency). This variant has not been reported in the literature in individuals affected with ANKRD26-related conditions. In summary, the available evidence is currently insufficient to determine the role of this variant in disease. Therefore, it has been classified as a Variant of Uncertain Significance.

NM_014915.3(ANKRD26):c.4976del (p.Asn1659fs)

Gene: ANKRD26 (ankyrin repeat domain 26; minus strand). Cytogenetic location: 10p12.1.
Variant type: Deletion.
Coding change: c.4976del on transcript NM_014915.3 (MANE Select); coding-DNA position 4976, one base deleted (A; older notation c.4976delA).
Protein change: p.Asn1659fs; shifts the reading frame from asparagine 1659.
Molecular consequence: frameshift variant.
Genome position (GRCh38, 1-based): chr10:27,006,940, T deleted on the plus strand (A on the coding strand, the reverse complement: ANKRD26 is on the minus strand); the first of 7 consecutive T bases (chr10:27,006,940-27,006,946); deleting any one gives the same sequence. VCF-style (leftmost placement, unchanged base first): chr10-27006939-AT-A. GRCh37 (hg19) VCF-style: chr10-27295868-AT-A.
Other names: c.4973del, p.Asn1658fs (NM_001256053.2); short protein forms N1658fs, N1659fs.
Identifiers: ClinVar variation 2883645 (VCV002883645.3), dbSNP rs762275496, ClinGen allele CA204423374.